The following is an entry in ClinVar:

NM_004304.5(ALK):c.2946G>T (p.Lys982Asn)

Gene: ALK (ALK receptor tyrosine kinase; minus strand). Cytogenetic location: 2p23.2.
Variant type: single nucleotide variant.
Coding change: c.2946G>T on transcript NM_004304.5 (MANE Select); coding-DNA position 2946, G replaced by T.
Protein change: p.Lys982Asn; replaces lysine 982 with asparagine.
Molecular consequence: missense variant.
Genome position (GRCh38, 1-based): chr2:29,227,043, C>A on the plus strand (G>T on the coding strand, the complement: ALK is on the minus strand). VCF-style: chr2-29227043-C-A. GRCh37 (hg19) VCF-style: chr2-29449909-C-A.
Other names: short protein forms K982N.
Identifiers: ClinVar variation 568663 (VCV000568663.14), dbSNP rs1344108786, ClinGen allele CA346467998.

ClinVar aggregate classification (germline): Uncertain significance. Review status: criteria provided, multiple submitters, no conflicts (2 of 4 stars). 4 submissions from 4 submitters: Uncertain significance (4). Last evaluated 2025-04-17.

Conditions:
Hereditary cancer-predisposing syndrome. Also called: Neoplastic Syndromes, Hereditary; Tumor predisposition; Hereditary Cancer Syndrome; Hereditary neoplastic syndrome. Identifiers: Orphanet 140162, MedGen C0027672, MeSH D009386, MONDO:0015356.
Neuroblastoma, susceptibility to, 3. Also called: ALK-Related Neuroblastic Tumor Susceptibility. Identifiers: Orphanet 635, MedGen C2751681, MONDO:0013083, OMIM 613014.

Allele frequency attached by ClinVar (database versions not stated): gnomAD exomes 0.00001 and 0.00002; TOPMed 0.00002; gnomAD 0.00003 and 0.00004.
gnomAD v4.1: 38 of 1,614,028 alleles (0.0024%); highest among the groups gnomAD compares: Non-Finnish European, 0.0027%; no homozygotes.

Submissions (4):

Labcorp Genetics (formerly Invitae), Labcorp
Classification: Uncertain significance for Neuroblastoma, susceptibility to, 3. Last evaluated: 2025-04-17. Review status: criteria provided, single submitter. Criteria: Invitae Variant Classification Sherloc (09022015). Collection method: clinical testing. Allele origin: germline.
Comment: This sequence change replaces lysine, which is basic and polar, with asparagine, which is neutral and polar, at codon 982 of the ALK protein (p.Lys982Asn). This variant is present in population databases (no rsID available, gnomAD 0.002%). This variant has not been reported in the literature in individuals affected with ALK-related conditions. ClinVar contains an entry for this variant (Variation ID: 568663). An algorithm developed to predict the effect of missense changes on protein structure and function (PolyPhen-2) suggests that this variant is likely to be tolerated. In summary, the available evidence is currently insufficient to determine the role of this variant in disease. Therefore, it has been classified as a Variant of Uncertain Significance.

Fulgent Genetics
Classification: Uncertain significance for Neuroblastoma, susceptibility to, 3. Last evaluated: 2024-04-23. Review status: criteria provided, single submitter. Criteria: ACMG Guidelines, 2015. Collection method: clinical testing. Allele origin: germline.

Ambry Genetics
Classification: Uncertain significance for Hereditary cancer-predisposing syndrome. Last evaluated: 2024-03-09. Review status: criteria provided, single submitter. Criteria: Ambry Variant Classification Scheme 2023. Collection method: clinical testing. Allele origin: germline.
Comment: The p.K982N variant (also known as c.2946G>T), located in coding exon 18 of the ALK gene, results from a G to T substitution at nucleotide position 2946. The lysine at codon 982 is replaced by asparagine, an amino acid with similar properties. This amino acid position is conserved. In addition, this alteration is predicted to be tolerated by in silico analysis. Since supporting evidence is limited at this time, the clinical significance of this alteration remains unclear.

Baylor Genetics
Classification: Uncertain significance for Neuroblastoma, susceptibility to, 3. Last evaluated: 2023-11-17. Review status: criteria provided, single submitter. Criteria: ACMG Guidelines, 2015. Collection method: clinical testing. Allele origin: unknown.